The following is an entry in ClinVar:

ClinVar aggregate classification (germline): Likely benign (1 of 4 stars; one submission).

Allele frequency attached by ClinVar (database versions not stated): TOPMed below 0.00001; gnomAD 0.00001; ExAC 0.00007.

Submission:

CeGaT Center for Human Genetics Tuebingen
Classification: Likely benign. Last evaluated: 2023-05-01. Review status: criteria provided, single submitter. Criteria: CeGaT Center For Human Genetics Tuebingen Variant Classification Criteria Version 2. Collection method: clinical testing. Allele origin: germline. Affected: yes. Observed: 1 variant allele.
Comment: LILRB2: BP4, BP7

NM_001080978.4(LILRB2):c.1380T>G (p.Val460=)

Gene: LILRB2 (leukocyte immunoglobulin like receptor B2; minus strand). Cytogenetic location: 19q13.42.
Variant type: single nucleotide variant.
Coding change: c.1380T>G on transcript NM_001080978.4 (MANE Select); coding-DNA position 1380, T replaced by G.
Protein change: p.Val460=; no amino-acid change (valine 460 retained).
Molecular consequence: synonymous variant. On other transcripts: non-coding transcript variant (1).
Genome position (GRCh38, 1-based): chr19:54,276,907, A>C on the plus strand (T>G on the coding strand, the complement: LILRB2 is on the minus strand). VCF-style: chr19-54276907-A-C. GRCh37 (hg19) VCF-style: chr19-54780761-A-C.
Other names: c.1380T>G, p.Val460= (NM_001278403.3); c.1035T>G, p.Val345= (NM_001278404.3); c.1383T>G, p.Val461= (NM_001278405.2, NM_005874.5).
Identifiers: ClinVar variation 2650440 (VCV002650440.24), dbSNP rs778175152, ClinGen allele CA309446709.
Genomic context (GRCh38, chr19:54,276,907, plus strand): 5'-GAGGAAGAGGAGGAGGAGGAGGAGGAGCAGTAGGACGACGGCCACCAAGATGCCGATCAC[A>C]ACCCCCAGGTGCCTTCCCAGACCTTGAGCACGATGATGTCAGGGATGGGGGTGATGTCAT-3'
Protein context (NP_001074447.2, residues 450-470): PQSGLGRHLG[Val460=]VIGILVAVVL